The following is an entry in ClinVar:

ClinVar aggregate classification (germline): Uncertain significance. Review status: criteria provided, multiple submitters, no conflicts (2 of 4 stars). 3 submissions from 3 submitters: Uncertain significance (3). Last evaluated 2024-12-04.

Conditions:
Leukocyte adhesion deficiency 3. Also called: INTEGRIN ACTIVATION DEFICIENCY DISEASE; LEUKOCYTE ADHESION DEFICIENCY 1 VARIANT; Leukocyte adhesion deficiency, type III. Identifiers: Orphanet 2968, Orphanet 99844, MedGen C2748536, MONDO:0013016, OMIM 612840.
Inborn genetic diseases. Identifiers: MedGen C0950123, MeSH D030342.

Allele frequency attached by ClinVar (database versions not stated): gnomAD 0.00001 and 0.00002; gnomAD exomes 0.00002 and 0.00005; TOPMed 0.00002; ExAC 0.00009.

Submissions (3):

Ambry Genetics
Classification: Uncertain significance for Inborn genetic diseases. Last evaluated: 2024-12-04. Review status: criteria provided, single submitter. Criteria: Ambry Variant Classification Scheme 2023. Collection method: clinical testing. Allele origin: germline.

Labcorp Genetics (formerly Invitae), Labcorp
Classification: Uncertain significance for Leukocyte adhesion deficiency 3. Last evaluated: 2024-12-02. Review status: criteria provided, single submitter. Criteria: Invitae Variant Classification Sherloc (09022015). Collection method: clinical testing. Allele origin: germline.
Comment: This sequence change replaces arginine, which is basic and polar, with tryptophan, which is neutral and slightly polar, at codon 179 of the FERMT3 protein (p.Arg179Trp). This variant is present in population databases (rs754848089, gnomAD 0.04%). This variant has not been reported in the literature in individuals affected with FERMT3-related conditions. ClinVar contains an entry for this variant (Variation ID: 936929). Invitae Evidence Modeling of protein sequence and biophysical properties (such as structural, functional, and spatial information, amino acid conservation, physicochemical variation, residue mobility, and thermodynamic stability) has been performed for this missense variant. However, the output from this modeling did not meet the statistical confidence thresholds required to predict the impact of this variant on FERMT3 protein function. In summary, the available evidence is currently insufficient to determine the role of this variant in disease. Therefore, it has been classified as a Variant of Uncertain Significance.

Blueprint Genetics
Classification: Uncertain significance. Last evaluated: 2022-01-21. Review status: criteria provided, single submitter. Criteria: ACMG Guidelines, 2015. Collection method: clinical testing. Allele origin: germline.

NM_031471.6(FERMT3):c.535C>T (p.Arg179Trp)

Gene: FERMT3 (FERM domain containing kindlin 3; plus strand). Cytogenetic location: 11q13.1.
Variant type: single nucleotide variant.
Coding change: c.535C>T on transcript NM_031471.6 (MANE Select); coding-DNA position 535, C replaced by T.
Protein change: p.Arg179Trp; replaces arginine 179 with tryptophan.
Molecular consequence: missense variant. On other transcripts: 5 prime UTR variant (2).
Genome position (GRCh38, 1-based): chr11:64,211,295, C>T. VCF-style: chr11-64211295-C-T. GRCh37 (hg19) VCF-style: chr11-63978767-C-T.
Other names: c.535C>T, p.Arg179Trp (NM_001382361.1, NM_001382362.1, NM_001382448.1 and 1 more transcripts); c.-6C>T (NM_001382363.1, NM_001382364.1); short protein forms R179W.
Identifiers: ClinVar variation 936929 (VCV000936929.11), dbSNP rs754848089, ClinGen allele CA6068807.
Genomic context (GRCh38, chr11:64,211,295, plus strand): 5'-CTGGGGGACAGGCCTGGTTGACTCCCAACCTGCACTCCAGGCGTGGCACCTGCACTGTTC[C>T]GGGGGATGCCAGCTCACTTCTCGGACAGCGCCCAGACTGAGGCCTGCTACCACATGCTGA-3'
Protein context (NP_113659.3, residues 169-189): LAGGVAPALF[Arg179Trp]GMPAHFSDSA